The following is an entry in ClinVar:

ClinVar aggregate classification (germline): Uncertain significance (1 of 4 stars; one submission).

Submission:

GeneDx
Classification: Uncertain significance. Last evaluated: 2024-08-15. Review status: criteria provided, single submitter. Criteria: GeneDx Variant Classification Process June 2021. Collection method: clinical testing. Allele origin: germline. Affected: yes.
Comment: Not observed at significant frequency in large population cohorts (gnomAD); In silico analysis indicates that this missense variant does not alter protein structure/function; Has not been previously published as pathogenic or benign to our knowledge

NM_078480.3(PUF60):c.1577A>G (p.His526Arg)

Gene: PUF60 (poly(U) binding splicing factor 60; minus strand). Cytogenetic location: 8q24.3.
Variant type: single nucleotide variant.
Coding change: c.1577A>G on transcript NM_078480.3 (MANE Select); coding-DNA position 1577, A replaced by G.
Protein change: p.His526Arg; replaces histidine 526 with arginine.
Molecular consequence: missense variant.
Genome position (GRCh38, 1-based): chr8:143,816,623, T>C on the plus strand (A>G on the coding strand, the complement: PUF60 is on the minus strand). VCF-style: chr8-143816623-T-C. GRCh37 (hg19) VCF-style: chr8-144898793-T-C.
Other names: c.1448A>G, p.His483Arg (NM_001136033.3); c.1523A>G, p.His508Arg (NM_001271096.2); c.1439A>G, p.His480Arg (NM_001271097.2); c.1574A>G, p.His525Arg (NM_001271098.2); c.1490A>G, p.His497Arg (NM_001271099.2); c.1397A>G, p.His466Arg (NM_001271100.2); c.1688A>G, p.His563Arg (NM_001362895.2, NM_001362896.2); c.1637A>G, p.His546Arg (NM_001362897.2); and 1 more; short protein forms H497R, H508R, H483R, H526R, H546R, H563R, H480R, H509R.
Identifiers: ClinVar variation 3731231 (VCV003731231.1).
Genomic context (GRCh38, chr8:143,816,623, plus strand): 5'-ACTTCAGCCACCACCTTGCGGCCAGCAAACCAGCGGCCATTGAGGGCCTGGATGGCCTTA[T>C]GAGTCTCAGAGGCTATGGAAAACTCCACAAAGATCTTGACAATGATTTCTGCATCCTCCT-3'
Protein context (NP_510965.1, residues 516-536): FVEFSIASET[His526Arg]KAIQALNGRW